The following is an entry in ClinVar:

NC_000005.9:g.(?_147470708)_(147470811_?)del

Gene: SPINK5 (serine peptidase inhibitor Kazal type 5; plus strand). Cytogenetic location: 5q32.
Variant type: Deletion.
Identifiers: ClinVar variation 2425647 (VCV002425647.3).

ClinVar aggregate classification (germline): Pathogenic (1 of 4 stars; one submission).

Conditions:
Ichthyosis linearis circumflexa. Identifiers: MedGen C0265962, MONDO:0043106, HP:0025810.

Submission:

Labcorp Genetics (formerly Invitae), Labcorp
Classification: Pathogenic for Ichthyosis linearis circumflexa. Last evaluated: 2022-04-13. Review status: criteria provided, single submitter. Criteria: Invitae Variant Classification Sherloc (09022015). Collection method: clinical testing. Allele origin: germline.
Comment: This variant is a gross deletion of the genomic region encompassing exon(s) 8 of the SPINK5 gene. This deletion is out-of-frame, and is expected to create a premature termination codon and result in an absent or disrupted protein product. Loss-of-function variants in SPINK5 are known to be pathogenic (PMID: 11511292, 11841556). This variant has not been reported in the literature in individuals affected with SPINK5-related conditions. For these reasons, this variant has been classified as Pathogenic.

Literature cited by the submitters: PubMed 11511292; PubMed 11841556.